The following is an entry in ClinVar:

NM_145178.4(ATOH7):c.64_81dup (p.Gly22_Gly27dup)

Genes: ATOH7 (atonal bHLH transcription factor 7; minus strand), LOC130003943 (ATAC-STARR-seq lymphoblastoid silent region 2418; plus strand). Cytogenetic location: 10q21.3.
Variant type: Duplication.
Coding change: c.64_81dup on transcript NM_145178.4 (MANE Select); coding-DNA positions 64 to 81, 18 bases duplicated (GGCACCGAGTGCGCGGGC).
Protein change: p.Gly22_Gly27dup.
Molecular consequence: inframe insertion.
Genome position (GRCh38, 1-based): chr10:68,231,597-68,231,614, GCCCGCGCACTCGGTGCC duplicated on the plus strand (GGCACCGAGTGCGCGGGC on the coding strand, the reverse complement: ATOH7 is on the minus strand); duplicating any 18 consecutive bases within chr10:68,231,597-68,231,624 gives the same sequence; the c. name uses the placement nearest the transcript's 3' end. VCF-style (leftmost placement, unchanged base first): chr10-68231596-T-TGCCCGCGCACTCGGTGCC. GRCh37 (hg19) VCF-style: chr10-69991353-T-TGCCCGCGCACTCGGTGCC.
Identifiers: ClinVar variation 851114 (VCV000851114.11), dbSNP rs556912362, ClinGen allele CA593850969.

ClinVar aggregate classification (germline): Uncertain significance (1 of 4 stars; one submission).

Submission:

Labcorp Genetics (formerly Invitae), Labcorp
Classification: Uncertain significance. Last evaluated: 2023-07-10. Review status: criteria provided, single submitter. Criteria: Invitae Variant Classification Sherloc (09022015). Collection method: clinical testing. Allele origin: germline.
Comment: ClinVar contains an entry for this variant (Variation ID: 851114). Experimental studies and prediction algorithms are not available or were not evaluated, and the functional significance of this variant is currently unknown. In summary, the available evidence is currently insufficient to determine the role of this variant in disease. Therefore, it has been classified as a Variant of Uncertain Significance. This variant, c.64_81dup, results in the insertion of 6 amino acid(s) of the ATOH7 protein (p.Gly22_Gly27dup), but otherwise preserves the integrity of the reading frame. This variant is present in population databases (no rsID available, gnomAD 0.01%). This variant has not been reported in the literature in individuals affected with ATOH7-related conditions.